The following is an entry in ClinVar:

NM_000213.5(ITGB4):c.2901G>A (p.Val967=)

Gene: ITGB4 (integrin subunit beta 4; plus strand). Cytogenetic location: 17q25.1.
Variant type: single nucleotide variant.
Coding change: c.2901G>A on transcript NM_000213.5 (MANE Select); coding-DNA position 2901, G replaced by A.
Protein change: p.Val967=; no amino-acid change (valine 967 retained).
Molecular consequence: synonymous variant.
Genome position (GRCh38, 1-based): chr17:75,742,700, G>A. VCF-style: chr17-75742700-G-A. GRCh37 (hg19) VCF-style: chr17-73738781-G-A.
Other names: c.2901G>A, p.Val967= (NM_001005619.2, NM_001005731.3, NM_001321123.2 and 1 more transcripts).
Identifiers: ClinVar variation 4085639 (VCV004085639.8).

ClinVar aggregate classification (germline): Likely benign (1 of 4 stars; one submission).

Submission:

CeGaT Center for Human Genetics Tuebingen
Classification: Likely benign. Last evaluated: 2025-07-01. Review status: criteria provided, single submitter. Criteria: CeGaT Center For Human Genetics Tuebingen Variant Classification Criteria Version 2. Collection method: clinical testing. Allele origin: germline. Affected: yes. Observed: 1 variant allele.
Comment: ITGB4: PM2:Supporting, BP4, BP7